The following is an entry in ClinVar:

NM_001112.4(ADARB1):c.486C>T (p.Asn162=)

Gene: ADARB1 (adenosine deaminase RNA specific B1; plus strand). Cytogenetic location: 21q22.3.
Variant type: single nucleotide variant.
Coding change: c.486C>T on transcript NM_001112.4 (MANE Select); coding-DNA position 486, C replaced by T.
Protein change: p.Asn162=; no amino-acid change (asparagine 162 retained).
Molecular consequence: synonymous variant. On other transcripts: non-coding transcript variant (4).
Genome position (GRCh38, 1-based): chr21:45,176,187, C>T. VCF-style: chr21-45176187-C-T. GRCh37 (hg19) VCF-style: chr21-46596102-C-T.
Other names: c.486C>T, p.Asn162= (NM_001160230.2, NM_001346688.2, NM_015833.4 and 1 more transcripts); c.633C>T, p.Asn211= (NM_001346687.2).
Identifiers: ClinVar variation 707858 (VCV000707858.28), dbSNP rs148155796, ClinGen allele CA10064131.

ClinVar aggregate classification (germline): Likely benign. Review status: criteria provided, multiple submitters, no conflicts (2 of 4 stars). 4 submissions from 4 submitters: Likely benign (4). Last evaluated 2024-11-22.

Allele frequency attached by ClinVar (database versions not stated): gnomAD exomes 0.00069 and 0.00117; gnomAD 0.00082 and 0.00083; TOPMed 0.00083; ESP Exome Variant Server 0.00131; 1000 Genomes Project 30x 0.00016; 1000 Genomes Project 0.00020; ExAC 0.00066.
gnomAD v4.1: 1,805 of 1,614,234 alleles (0.11%); highest among the groups gnomAD compares: Non-Finnish European, 0.14%; no homozygotes.

Submissions (4):

Blueprint Genetics
Classification: Likely benign. Last evaluated: 2024-11-22. Review status: criteria provided, single submitter. Criteria: ACMG Guidelines, 2015. Collection method: clinical testing. Allele origin: germline.

CeGaT Center for Human Genetics Tuebingen
Classification: Likely benign. Last evaluated: 2024-10-01. Review status: criteria provided, single submitter. Criteria: CeGaT Center For Human Genetics Tuebingen Variant Classification Criteria Version 2. Collection method: clinical testing. Allele origin: germline. Affected: yes. Observed: 2 variant alleles.
Comment: ADARB1: PM2:Supporting, BP4, BP7

Labcorp Genetics (formerly Invitae), Labcorp
Classification: Likely benign. Last evaluated: 2018-03-28. Review status: criteria provided, single submitter. Criteria: Invitae Variant Classification Sherloc (09022015). Collection method: clinical testing. Allele origin: germline.

Breakthrough Genomics
Classification: Likely benign. Review status: criteria provided, single submitter. Criteria: ACMG Guidelines, 2015. Collection method: not provided. Allele origin: germline. Inheritance: Autosomal recessive inheritance. Affected: yes.